The following is an entry in ClinVar:

NM_001008537.3(NEXMIF):c.299C>G (p.Ser100Cys)

Gene: NEXMIF (neurite extension and migration factor; minus strand). Cytogenetic location: Xq13.3.
Variant type: single nucleotide variant.
Coding change: c.299C>G on transcript NM_001008537.3 (MANE Select); coding-DNA position 299, C replaced by G.
Protein change: p.Ser100Cys; replaces serine 100 with cysteine.
Molecular consequence: missense variant.
Genome position (GRCh38, 1-based): chrX:74,744,258, G>C on the plus strand (C>G on the coding strand, the complement: NEXMIF is on the minus strand). VCF-style: chrX-74744258-G-C. GRCh37 (hg19) VCF-style: chrX-73964093-G-C.
Other names: short protein forms S100C.
Identifiers: ClinVar variation 680152 (VCV000680152.1), dbSNP rs764653702, ClinGen allele CA413673892.

ClinVar aggregate classification (germline): Likely benign (1 of 4 stars; one submission).

Submission:

GeneDx
Classification: Likely benign. Last evaluated: 2018-06-12. Review status: criteria provided, single submitter. Criteria: GeneDx Variant Classification (06012015). Collection method: clinical testing. Allele origin: germline. Affected: yes.
Comment: This variant is considered likely benign or benign based on one or more of the following criteria: it is a conservative change, it occurs at a poorly conserved position in the protein, it is predicted to be benign by multiple in silico algorithms, and/or has population frequency not consistent with disease.